The following is an entry in ClinVar:

ClinVar aggregate classification (germline): Uncertain significance (1 of 4 stars; one submission).

Conditions:
Inborn genetic diseases. Identifiers: MedGen C0950123, MeSH D030342.

Submission:

Ambry Genetics
Classification: Uncertain significance for Inborn genetic diseases. Last evaluated: 2026-07-30. Review status: criteria provided, single submitter. Criteria: Ambry Variant Classification Scheme 2023. Collection method: clinical testing. Allele origin: germline.
Comment: The p.A222P variant (also known as c.664G>C), located in coding exon 5 of the MECOM gene, results from a G to C substitution at nucleotide position 664. The alanine at codon 222 is replaced by proline, an amino acid with highly similar properties. This amino acid position is conserved. In addition, this alteration is predicted to be tolerated by in silico analysis. Based on the available evidence, the clinical significance of this variant remains unclear.

NM_004991.4(MECOM):c.664G>C (p.Ala222Pro)

Gene: MECOM (MDS1 and EVI1 complex locus; minus strand). Cytogenetic location: 3q26.2.
Variant type: single nucleotide variant.
Coding change: c.664G>C on transcript NM_004991.4 (MANE Select); coding-DNA position 664, G replaced by C.
Protein change: p.Ala222Pro; replaces alanine 222 with proline.
Molecular consequence: missense variant.
Genome position (GRCh38, 1-based): chr3:169,128,010, C>G on the plus strand (G>C on the coding strand, the complement: MECOM is on the minus strand). VCF-style: chr3-169128010-C-G. GRCh37 (hg19) VCF-style: chr3-168845798-C-G.
Other names: c.292G>C, p.Ala98Pro (NM_001105077.4); c.100G>C, p.Ala34Pro (NM_001105078.4, NM_001163999.2, NM_001164000.2 and 9 more transcripts); c.664G>C, p.Ala222Pro (NM_001366466.2, NM_001366473.2); short protein forms A98P, A222P, A34P.
Identifiers: ClinVar variation 5024163 (VCV005024163.1).